The following is an entry in ClinVar:

NM_000257.4(MYH7):c.2348G>C (p.Arg783Pro)

Genes: MYH7 (myosin heavy chain 7; minus strand), LOC126861898 (BRD4-independent group 4 enhancer GRCh37_chr14:23893609-23894808; plus strand). Cytogenetic location: 14q11.2.
Variant type: single nucleotide variant.
Coding change: c.2348G>C on transcript NM_000257.4 (MANE Select); coding-DNA position 2348, G replaced by C.
Protein change: p.Arg783Pro; replaces arginine 783 with proline.
Molecular consequence: missense variant.
Genome position (GRCh38, 1-based): chr14:23,425,357, C>G on the plus strand (G>C on the coding strand, the complement: MYH7 is on the minus strand). VCF-style: chr14-23425357-C-G. GRCh37 (hg19) VCF-style: chr14-23894566-C-G.
Other names: short protein forms R783P.
Identifiers: ClinVar variation 42895 (VCV000042895.11), dbSNP rs397516142, ClinGen allele CA012196.

ClinVar aggregate classification (germline): Likely pathogenic. Review status: criteria provided, multiple submitters, no conflicts (2 of 4 stars). 2 submissions from 2 submitters: Likely pathogenic (2). Last evaluated 2022-06-05.

Conditions:
Primary dilated cardiomyopathy (DCM). Also called: Dilated Cardiomyopathy. Identifiers: Orphanet 217604, MedGen C0007193, MeSH D002311, MONDO:0005021, HP:0001644. Inheritance: Various modes of inheritance.
Hypertrophic cardiomyopathy. Also called: HYPERTROPHIC MYOCARDIOPATHY. Identifiers: Orphanet 217569, MedGen C0007194, MeSH D002312, MONDO:0005045, HP:0001639.

Submissions (2):

Labcorp Genetics (formerly Invitae), Labcorp
Classification: Likely pathogenic for Hypertrophic cardiomyopathy. Last evaluated: 2022-06-05. Review status: criteria provided, single submitter. Criteria: Invitae Variant Classification Sherloc (09022015). Collection method: clinical testing. Allele origin: germline.
Comment: This sequence change replaces arginine, which is basic and polar, with proline, which is neutral and non-polar, at codon 783 of the MYH7 protein (p.Arg783Pro). This variant is not present in population databases (gnomAD no frequency). This missense change has been observed in individual(s) with dilated or hypertrophic cardiomyopathy as well as in individuals with congenital myopathy (PMID: 21211974, 22464770, 24503780, 27532257, 33673806). In at least one individual the variant was observed to be de novo. ClinVar contains an entry for this variant (Variation ID: 42895). Algorithms developed to predict the effect of missense changes on protein structure and function are either unavailable or do not agree on the potential impact of this missense change (SIFT: "Deleterious"; PolyPhen-2: "Possibly Damaging"; Align-GVGD: "Class C15"). This variant is found within a region of MYH7 between codons 181 and 937 that contains the majority of the myosin head domain. Missense variants in this region have been shown to be significantly overrepresented in individuals with hypertrophic cardiomyopathy (PMID: 27532257). In summary, the currently available evidence indicates that the variant is pathogenic, but additional data are needed to prove that conclusively. Therefore, this variant has been classified as Likely Pathogenic.

Laboratory for Molecular Medicine, Mass General Brigham Personalized Medicine
Classification: Likely pathogenic for Primary dilated cardiomyopathy. Last evaluated: 2017-08-30. Review status: criteria provided, single submitter. Criteria: LMM Criteria. Collection method: clinical testing. Allele origin: germline. Inheritance: Autosomal dominant inheritance. Observed: 2 variant alleles.
Comment: The p.Arg783Pro variant in MYH7 has been reported as an apparently de novo occur rence in 1 individual with DCM and skeletal myopathy (Homayoun 2011). This varia nt was absent from large population studies, but has been reported in ClinVar (V ariation ID: 42895). Of note, this variant lies in the head region of the protei n. Missense variants in this region have been reported and statistically indicat ed to be more likely to cause disease (Walsh 2016). In summary, although additio nal studies are required to fully establish its clinical significance, the p.Arg 783Pro variant is likely pathogenic.

Literature cited by the submitters: PubMed 21211974 (cited by Labcorp Genetics (formerly Invitae), Labcorp and Laboratory for Molecular Medicine, Mass General Brigham Personalized Medicine); PubMed 22464770 (cited by Labcorp Genetics (formerly Invitae), Labcorp); PubMed 24503780 (cited by Labcorp Genetics (formerly Invitae), Labcorp); PubMed 27532257 (cited by Labcorp Genetics (formerly Invitae), Labcorp and Laboratory for Molecular Medicine, Mass General Brigham Personalized Medicine); PubMed 33673806 (cited by Labcorp Genetics (formerly Invitae), Labcorp).